The following is an entry in ClinVar:

ClinVar aggregate classification (germline): Uncertain significance (1 of 4 stars; one submission).

gnomAD v4.1: 5 of 1,614,078 alleles (0.00031%); highest among the groups gnomAD compares: Non-Finnish European, 0.00042%; no homozygotes.

Submission:

Labcorp Genetics (formerly Invitae), Labcorp
Classification: Uncertain significance. Last evaluated: 2025-10-15. Review status: criteria provided, single submitter. Criteria: Invitae Variant Classification Sherloc (09022015). Collection method: clinical testing. Allele origin: germline.
Comment: This sequence change replaces lysine, which is basic and polar, with glutamic acid, which is acidic and polar, at codon 66 of the TNFAIP3 protein (p.Lys66Glu). This variant is present in population databases (rs753814942, gnomAD 0.004%). This variant has not been reported in the literature in individuals affected with TNFAIP3-related conditions. ClinVar contains an entry for this variant (Variation ID: 3610180). Invitae Evidence Modeling of protein sequence and biophysical properties (such as structural, functional, and spatial information, amino acid conservation, physicochemical variation, residue mobility, and thermodynamic stability) indicates that this missense variant is not expected to disrupt TNFAIP3 protein function with a negative predictive value of 80%. In summary, the available evidence is currently insufficient to determine the role of this variant in disease. Therefore, it has been classified as a Variant of Uncertain Significance.

NM_001270508.2(TNFAIP3):c.196A>G (p.Lys66Glu)

Gene: TNFAIP3 (TNF alpha induced protein 3; plus strand). Cytogenetic location: 6q23.3.
Variant type: single nucleotide variant.
Coding change: c.196A>G on transcript NM_001270508.2 (MANE Select); coding-DNA position 196, A replaced by G.
Protein change: p.Lys66Glu; replaces lysine 66 with glutamic acid.
Molecular consequence: missense variant.
Genome position (GRCh38, 1-based): chr6:137,871,423, A>G. VCF-style: chr6-137871423-A-G. GRCh37 (hg19) VCF-style: chr6-138192560-A-G.
Other names: c.196A>G, p.Lys66Glu (NM_001270507.2, NM_006290.4); short protein forms K66E.
Identifiers: ClinVar variation 3610180 (VCV003610180.2).